The following is an entry in ClinVar:

ClinVar aggregate classification (germline): Uncertain significance (1 of 4 stars; one submission).

Conditions:
Cardiovascular phenotype. Identifiers: MedGen CN230736.

Submission:

Ambry Genetics
Classification: Uncertain significance for Cardiovascular phenotype. Last evaluated: 2026-04-18. Review status: criteria provided, single submitter. Criteria: Ambry Variant Classification Scheme 2023. Collection method: clinical testing. Allele origin: germline.
Comment: The p.Q376R variant (also known as c.1127A>G), located in coding exon 11 of the ACTN2 gene, results from an A to G substitution at nucleotide position 1127. The glutamine at codon 376 is replaced by arginine, an amino acid with highly similar properties. This amino acid position is conserved. In addition, this alteration is predicted to be tolerated by in silico analysis. Based on the available evidence, the clinical significance of this variant remains unclear.

NM_001103.4(ACTN2):c.1127A>G (p.Gln376Arg)

Gene: ACTN2 (actinin alpha 2; plus strand). Cytogenetic location: 1q43.
Variant type: single nucleotide variant.
Coding change: c.1127A>G on transcript NM_001103.4 (MANE Select); coding-DNA position 1127, A replaced by G.
Protein change: p.Gln376Arg; replaces glutamine 376 with arginine.
Molecular consequence: missense variant. On other transcripts: non-coding transcript variant (1).
Genome position (GRCh38, 1-based): chr1:236,742,915, A>G. VCF-style: chr1-236742915-A-G. GRCh37 (hg19) VCF-style: chr1-236906215-A-G.
Other names: c.1127A>G, p.Gln376Arg (NM_001278343.2); short protein forms Q376R.
Identifiers: ClinVar variation 4867398 (VCV004867398.1).
Genomic context (GRCh38, chr1:236,742,915, plus strand): 5'-CTTGTTACACATTTGCTTCCCTTGGCTTCCAACCATCCCAGGATATTGCTGGTGCCTGGC[A>G]GAGGCTGGAGCAGGCTGAGAAGGGTTACGAGGAGTGGTTGCTCAATGAGATTCGGAGACT-3'
Protein context (NP_001094.1, residues 366-386): KMVSDIAGAW[Gln376Arg]RLEQAEKGYE